The following is an entry in ClinVar:

NM_005188.4(CBL):c.1358C>T (p.Pro453Leu)

Gene: CBL (Cbl proto-oncogene; plus strand). Cytogenetic location: 11q23.3.
Variant type: single nucleotide variant.
Coding change: c.1358C>T on transcript NM_005188.4 (MANE Select); coding-DNA position 1358, C replaced by T.
Protein change: p.Pro453Leu; replaces proline 453 with leucine.
Molecular consequence: missense variant.
Genome position (GRCh38, 1-based): chr11:119,278,640, C>T. VCF-style: chr11-119278640-C-T. GRCh37 (hg19) VCF-style: chr11-119149350-C-T.
Other names: short protein forms P453L.
Identifiers: ClinVar variation 1770742 (VCV001770742.5), dbSNP rs1262688624, ClinGen allele CA382914495.

ClinVar aggregate classification (germline): Uncertain significance. Review status: criteria provided, multiple submitters, no conflicts (2 of 4 stars). 2 submissions from 2 submitters: Uncertain significance (2). Last evaluated 2025-05-17.

Conditions:
Cardiovascular phenotype. Identifiers: MedGen CN230736.
RASopathy. Also called: rasopathies; Noonan spectrum disorder. Identifiers: Orphanet 536391, MedGen C5555857, MONDO:0021060.

Allele frequency attached by ClinVar (database versions not stated): gnomAD exomes below 0.00001; TOPMed below 0.00001.
gnomAD v4.1: 2 of 1,613,966 alleles (0.00012%); highest among the groups gnomAD compares: Non-Finnish European, 0.00017%; no homozygotes.

Submissions (2):

Ambry Genetics
Classification: Uncertain significance for Cardiovascular phenotype. Last evaluated: 2025-05-17. Review status: criteria provided, single submitter. Criteria: Ambry Variant Classification Scheme 2023. Collection method: clinical testing. Allele origin: germline.
Comment: The p.P453L variant (also known as c.1358C>T), located in coding exon 9 of the CBL gene, results from a C to T substitution at nucleotide position 1358. The proline at codon 453 is replaced by leucine, an amino acid with similar properties. This amino acid position is conserved. In addition, the in silico prediction for this alteration is inconclusive. Since supporting evidence is limited at this time, the clinical significance of this alteration remains unclear.

Labcorp Genetics (formerly Invitae), Labcorp
Classification: Uncertain significance for RASopathy. Last evaluated: 2024-09-12. Review status: criteria provided, single submitter. Criteria: Invitae Variant Classification Sherloc (09022015). Collection method: clinical testing. Allele origin: germline.
Comment: This sequence change replaces proline, which is neutral and non-polar, with leucine, which is neutral and non-polar, at codon 453 of the CBL protein (p.Pro453Leu). This variant is present in population databases (no rsID available, gnomAD 0.0009%). This variant has not been reported in the literature in individuals affected with CBL-related conditions. ClinVar contains an entry for this variant (Variation ID: 1770742). Invitae Evidence Modeling of protein sequence and biophysical properties (such as structural, functional, and spatial information, amino acid conservation, physicochemical variation, residue mobility, and thermodynamic stability) indicates that this missense variant is not expected to disrupt CBL protein function with a negative predictive value of 95%. In summary, the available evidence is currently insufficient to determine the role of this variant in disease. Therefore, it has been classified as a Variant of Uncertain Significance.